The following is an entry in ClinVar:

NM_006493.4(CLN5):c.662G>A (p.Gly221Glu)

Gene: CLN5 (CLN5 lysosomal BMP synthase; plus strand). Cytogenetic location: 13q22.3.
Variant type: single nucleotide variant.
Coding change: c.662G>A on transcript NM_006493.4 (MANE Select); coding-DNA position 662, G replaced by A.
Protein change: p.Gly221Glu; replaces glycine 221 with glutamic acid.
Molecular consequence: missense variant. On other transcripts: 3 prime UTR variant (1).
Genome position (GRCh38, 1-based): chr13:77,000,554, G>A. VCF-style: chr13-77000554-G-A. GRCh37 (hg19) VCF-style: chr13-77574689-G-A.
Other names: p.G270E:GGG>GAG; c.809G>A (LRG_692t1); c.*111G>A (NM_001366624.2); short protein forms G221E.
Identifiers: ClinVar variation 205130 (VCV000205130.19), dbSNP rs368428437, ClinGen allele CA313876.
Genomic context (GRCh38, chr13:77,000,554, plus strand): 5'-AGGACAATGAAACAGGAATTTATTATGAGACATGGAATGTAAAAGCCAGCCCAGAAAAGG[G>A]GGCAGAGACATGGTTTGATTCCTACGACTGTTCCAAATTTGTGTTAAGGACCTTTAACAA-3'
Protein context (NP_006484.2, residues 211-231): TWNVKASPEK[Gly221Glu]AETWFDSYDC

ClinVar aggregate classification (germline): Uncertain significance. Review status: criteria provided, multiple submitters, no conflicts (2 of 4 stars). 6 submissions from 6 submitters: Uncertain significance (5). 1 of the submissions does not count toward it. Last evaluated 2025-05-17.

Conditions:
Inborn genetic diseases. Identifiers: MedGen C0950123, MeSH D030342.
Neuronal ceroid lipofuscinosis. Also called: Neuronal Ceroid Lipofuscinoses. Identifiers: Orphanet 216, Orphanet 79263, MedGen C0027877, MONDO:0016295. Disease mechanism: loss of function.
Neuronal ceroid lipofuscinosis 5 (CLN5). Also called: Neuronal ceroid lipofuscinosis Finnish variant; NEURONAL CEROID LIPOFUSCINOSIS, LATE INFANTILE, FINNISH VARIANT; CLN5-Related Neuronal Ceroid-Lipofuscinosis; CEROID LIPOFUSCINOSIS, NEURONAL, 5, VARIABLE AGE AT ONSET. Identifiers: Orphanet 168491, Orphanet 228360, MedGen C1850442, MONDO:0009745, OMIM 256731.

Allele frequency attached by ClinVar (database versions not stated): ExAC 0.00004; gnomAD 0.00005 and 0.00006; TOPMed 0.00007; ESP Exome Variant Server 0.00015.
gnomAD v4.1: 209 of 1,613,898 alleles (0.013%); highest among the groups gnomAD compares: Non-Finnish European, 0.017%; no homozygotes.

Submissions (6):

Ambry Genetics
Classification: Uncertain significance for Inborn genetic diseases. Last evaluated: 2025-05-17. Review status: criteria provided, single submitter. Criteria: Ambry Variant Classification Scheme 2023. Collection method: clinical testing. Allele origin: germline.

GeneDx
Classification: Uncertain significance. Last evaluated: 2025-02-24. Review status: criteria provided, single submitter. Criteria: GeneDx Variant Classification Process June 2021. Collection method: clinical testing. Allele origin: germline. Affected: yes.
Comment: Not observed at significant frequency in large population cohorts (gnomAD); In silico analysis supports that this missense variant has a deleterious effect on protein structure/function; Has not been previously published as pathogenic or benign to our knowledge

Blueprint Genetics
Classification: Uncertain significance. Last evaluated: 2024-06-13. Review status: criteria provided, single submitter. Criteria: ACMG Guidelines, 2015. Collection method: clinical testing. Allele origin: germline.

Labcorp Genetics (formerly Invitae), Labcorp
Classification: Uncertain significance for Neuronal ceroid lipofuscinosis. Last evaluated: 2022-08-19. Review status: criteria provided, single submitter. Criteria: Invitae Variant Classification Sherloc (09022015). Collection method: clinical testing. Allele origin: germline.
Comment: This sequence change replaces glycine, which is neutral and non-polar, with glutamic acid, which is acidic and polar, at codon 270 of the CLN5 protein (p.Gly270Glu). This variant is present in population databases (rs368428437, gnomAD 0.01%). This variant has not been reported in the literature in individuals affected with CLN5-related conditions. ClinVar contains an entry for this variant (Variation ID: 205130). Algorithms developed to predict the effect of missense changes on protein structure and function output the following: SIFT: "Tolerated"; PolyPhen-2: "Benign"; Align-GVGD: "Class C0". The glutamic acid amino acid residue is found in multiple mammalian species, which suggests that this missense change does not adversely affect protein function. In summary, the available evidence is currently insufficient to determine the role of this variant in disease. Therefore, it has been classified as a Variant of Uncertain Significance.

Genome-Nilou Lab
Classification: Uncertain significance for Neuronal ceroid lipofuscinosis 5. Last evaluated: 2021-09-05. Review status: criteria provided, single submitter. Criteria: ACMG Guidelines, 2015. Collection method: clinical testing. Allele origin: germline. Affected: no.

Natera, Inc.
Classification: Uncertain significance for Neuronal ceroid lipofuscinosis. Last evaluated: 2020-09-13. Review status: no assertion criteria provided. Collection method: clinical testing. Allele origin: germline. Not counted in ClinVar's aggregate classification.